The following is an entry in ClinVar:

NM_033305.3(VPS13A):c.8820C>G (p.Asp2940Glu)

Gene: VPS13A (vacuolar protein sorting 13 homolog A; plus strand). Cytogenetic location: 9q21.2.
Variant type: single nucleotide variant.
Coding change: c.8820C>G on transcript NM_033305.3 (MANE Select); coding-DNA position 8820, C replaced by G.
Protein change: p.Asp2940Glu; replaces aspartic acid 2940 with glutamic acid.
Molecular consequence: missense variant.
Genome position (GRCh38, 1-based): chr9:77,370,491, C>G. VCF-style: chr9-77370491-C-G. GRCh37 (hg19) VCF-style: chr9-79985407-C-G.
Other names: c.8820C>G (NM_033305.2); c.8703C>G, p.Asp2901Glu (NM_001018037.2); c.8820C>G, p.Asp2940Glu (NM_001018038.3, NM_015186.4); short protein forms D2901E, D2940E.
Identifiers: ClinVar variation 2189533 (VCV002189533.2), dbSNP rs746506308, ClinGen allele CA5093768.
Genomic context (GRCh38, chr9:77,370,491, plus strand): 5'-TGCCTCCAAAATCACCGGTGCTATGGCTAAGGGGGTAGCAGCTATGACCATGGATGAAGA[C>G]TACCAACAGAAGAGAAGAGAAGCCATGAATAAGCAACCAGCTGGTTTTAGAGAAGGCATC-3'
Protein context (NP_150648.2, residues 2930-2950): KGVAAMTMDE[Asp2940Glu]YQQKRREAMN

ClinVar aggregate classification (germline): Uncertain significance. Review status: criteria provided, multiple submitters, no conflicts (2 of 4 stars). 2 submissions from 2 submitters: Uncertain significance (2). Last evaluated 2025-11-13.

Conditions:
Inborn genetic diseases. Identifiers: MedGen C0950123, MeSH D030342.

Allele frequency attached by ClinVar (database versions not stated): TOPMed 0.00003; ExAC 0.00004; gnomAD 0.00002; gnomAD exomes 0.00003.
gnomAD v4.1: 42 of 1,614,024 alleles (0.0026%); highest among the groups gnomAD compares: Admixed American, 0.018%; no homozygotes.

Submissions (2):

Ambry Genetics
Classification: Uncertain significance for Inborn genetic diseases. Last evaluated: 2025-11-13. Review status: criteria provided, single submitter. Criteria: Ambry Variant Classification Scheme 2023. Collection method: clinical testing. Allele origin: germline.

Labcorp Genetics (formerly Invitae), Labcorp
Classification: Uncertain significance. Last evaluated: 2021-12-19. Review status: criteria provided, single submitter. Criteria: Invitae Variant Classification Sherloc (09022015). Collection method: clinical testing. Allele origin: germline.
Comment: This sequence change replaces aspartic acid, which is acidic and polar, with glutamic acid, which is acidic and polar, at codon 2940 of the VPS13A protein (p.Asp2940Glu). This variant is present in population databases (rs746506308, gnomAD 0.01%). This variant has not been reported in the literature in individuals affected with VPS13A-related conditions. Algorithms developed to predict the effect of missense changes on protein structure and function (SIFT, PolyPhen-2, Align-GVGD) all suggest that this variant is likely to be tolerated. In summary, the available evidence is currently insufficient to determine the role of this variant in disease. Therefore, it has been classified as a Variant of Uncertain Significance.